The following is an entry in ClinVar:

ClinVar aggregate classification (germline): Likely pathogenic (1 of 4 stars; one submission).

Submission:

GeneDx
Classification: Likely pathogenic. Last evaluated: 2017-05-17. Review status: criteria provided, single submitter. Criteria: GeneDx Variant Classification (06012015). Collection method: clinical testing. Allele origin: germline. Affected: yes.
Comment: The c.4415delA variant in the ERCC6 gene has not been reported previously as a pathogenic variant nor as a benign variant, to our knowledge. This deletion causes a frameshift starting with codon Asparagine 1472, changes this amino acid to an Isoleucine residue, and creates a premature Stop codon at position 40 of the new reading frame, denoted p.Asn1472IlefsX40. This variant is predicted to cause loss of 22 amino acids which are replaced with 39 correct amino acids. The c.4415delA variant is not observed in large population cohorts (Lek et al., 2016; 1000 Genomes Consortium et al., 2015; Exome Variant Server). Based on currently available evidence, we interpret c.4415delA as a likely pathogenic variant.

NM_000124.4(ERCC6):c.4415del (p.Asn1472fs)

Gene: ERCC6 (ERCC excision repair 6, chromatin remodeling factor; minus strand). Cytogenetic location: 10q11.23.
Variant type: Deletion.
Coding change: c.4415del on transcript NM_000124.4 (MANE Select); coding-DNA position 4415, one base deleted (A; older notation c.4415delA).
Protein change: p.Asn1472fs; shifts the reading frame from asparagine 1472.
Molecular consequence: frameshift variant.
Genome position (GRCh38, 1-based): chr10:49,458,882, T deleted on the plus strand (A on the coding strand, the reverse complement: ERCC6 is on the minus strand); the first of 3 consecutive T bases (chr10:49,458,882-49,458,884); deleting any one gives the same sequence. VCF-style (leftmost placement, unchanged base first): chr10-49458881-AT-A. GRCh37 (hg19) VCF-style: chr10-50666927-AT-A.
Other names: c.4415del, p.Asn1472fs (NM_001346440.2); short protein forms N1472fs.
Identifiers: ClinVar variation 430299 (VCV000430299.2), dbSNP rs1131691890, ClinGen allele CA645369464.